The following is an entry in ClinVar:

NM_080632.3(UPF3B):c.1168GAA[2] (p.Glu392del)

Gene: UPF3B (UPF3B regulator of nonsense mediated mRNA decay; minus strand). Cytogenetic location: Xq24.
Variant type: Microsatellite.
Coding change: c.1168GAA[2] on transcript NM_080632.3 (MANE Select); two copies in a row of the 3-base unit GAA starting at c.1168; the reference has three copies in a row; one copy, 3 bases deleted.
Protein change: p.Glu392del; deletes glutamic acid 392.
Molecular consequence: inframe deletion.
Genome position (GRCh38, 1-based): chrX:119,837,883-119,837,885, TTC deleted on the plus strand (GAA on the coding strand, the reverse complement: UPF3B is on the minus strand); deleting any 3 consecutive bases within chrX:119,837,883-119,837,893 gives the same sequence; the position shown is the placement nearest the transcript's 3' end. VCF-style (leftmost placement, unchanged base first): chrX-119837882-TTTC-T. GRCh37 (hg19) VCF-style: chrX-118971845-TTTC-T.
Other names: c.1129GAA[2], p.Glu379del (NM_023010.4); short protein forms E392del, E379del.
Identifiers: ClinVar variation 2140595 (VCV002140595.4), dbSNP rs747700847, ClinGen allele CA10503172.

ClinVar aggregate classification (germline): Uncertain significance (1 of 4 stars; one submission).

Conditions:
Intellectual developmental disorder, X-linked, syndromic 14. Also called: Syndromic X-linked intellectual disability 14. Identifiers: Orphanet 776, MedGen C1970822, MONDO:0010398, OMIM 300676.

Submission:

Labcorp Genetics (formerly Invitae), Labcorp
Classification: Uncertain significance for Intellectual developmental disorder, X-linked, syndromic 14. Last evaluated: 2025-05-21. Review status: criteria provided, single submitter. Criteria: Invitae Variant Classification Sherloc (09022015). Collection method: clinical testing. Allele origin: germline.
Comment: This variant, c.1174_1176del, results in the deletion of 1 amino acid(s) of the UPF3B protein (p.Glu392del), but otherwise preserves the integrity of the reading frame. This variant is present in population databases (rs747700847, gnomAD 0.007%), including at least one homozygous and/or hemizygous individual. This variant has not been reported in the literature in individuals affected with UPF3B-related conditions. Experimental studies and prediction algorithms are not available or were not evaluated, and the functional significance of this variant is currently unknown. In summary, the available evidence is currently insufficient to determine the role of this variant in disease. Therefore, it has been classified as a Variant of Uncertain Significance.